The following is an entry in ClinVar:

ClinVar aggregate classification (germline): Uncertain significance (1 of 4 stars; one submission).

Conditions:
Dilated cardiomyopathy 1JJ (CMD1JJ). Identifiers: Orphanet 154, MedGen C3808935, MONDO:0014095, OMIM 615235.

Submission:

Labcorp Genetics (formerly Invitae), Labcorp
Classification: Uncertain significance for Dilated cardiomyopathy 1JJ. Last evaluated: 2025-02-12. Review status: criteria provided, single submitter. Criteria: Invitae Variant Classification Sherloc (09022015). Collection method: clinical testing. Allele origin: germline.
Comment: This sequence change replaces lysine, which is basic and polar, with arginine, which is basic and polar, at codon 407 of the LAMA4 protein (p.Lys407Arg). This variant is present in population databases (rs782663339, gnomAD 0.003%). This variant has not been reported in the literature in individuals affected with LAMA4-related conditions. Invitae Evidence Modeling of protein sequence and biophysical properties (such as structural, functional, and spatial information, amino acid conservation, physicochemical variation, residue mobility, and thermodynamic stability) indicates that this missense variant is expected to disrupt LAMA4 protein function with a positive predictive value of 80%. In summary, the available evidence is currently insufficient to determine the role of this variant in disease. Therefore, it has been classified as a Variant of Uncertain Significance.

NM_001105206.3(LAMA4):c.1241A>G (p.Lys414Arg)

Gene: LAMA4 (laminin subunit alpha 4; minus strand). Cytogenetic location: 6q21.
Variant type: single nucleotide variant.
Coding change: c.1241A>G on transcript NM_001105206.3 (MANE Select); coding-DNA position 1241, A replaced by G.
Protein change: p.Lys414Arg; replaces lysine 414 with arginine.
Molecular consequence: missense variant.
Genome position (GRCh38, 1-based): chr6:112,175,429, T>C on the plus strand (A>G on the coding strand, the complement: LAMA4 is on the minus strand). VCF-style: chr6-112175429-T-C. GRCh37 (hg19) VCF-style: chr6-112496631-T-C.
Other names: c.1220A>G, p.Lys407Arg (NM_001105207.3, NM_002290.5); short protein forms K407R, K414R.
Identifiers: ClinVar variation 4805120 (VCV004805120.1).